The following is an entry in ClinVar:

ClinVar aggregate classification (germline): Likely benign (0 of 4 stars; one submission).

Conditions:
LIMK1-related disorder. Also called: LIMK1-related condition.

Allele frequency attached by ClinVar (database versions not stated): ExAC 0.00001; gnomAD 0.00001; gnomAD exomes 0.00003; TOPMed 0.00003.
gnomAD v4.1: 41 of 1,614,004 alleles (0.0025%); highest among the groups gnomAD compares: African/African-American, 0.008%; no homozygotes.

Submission:

PreventionGenetics, part of Exact Sciences
Classification: Likely benign for LIMK1-related condition. Last evaluated: 2019-10-28. Review status: no assertion criteria provided. Collection method: clinical testing. Allele origin: germline.
Comment: This variant is classified as likely benign based on ACMG/AMP sequence variant interpretation guidelines (Richards et al. 2015 PMID: 25741868, with internal and published modifications).

NM_002314.4(LIMK1):c.1446G>A (p.Ala482=)

Gene: LIMK1 (LIM domain kinase 1; plus strand). Cytogenetic location: 7q11.23.
Variant type: single nucleotide variant.
Coding change: c.1446G>A on transcript NM_002314.4 (MANE Select); coding-DNA position 1446, G replaced by A.
Protein change: p.Ala482=; no amino-acid change (alanine 482 retained).
Molecular consequence: synonymous variant.
Genome position (GRCh38, 1-based): chr7:74,115,837, G>A. VCF-style: chr7-74115837-G-A. GRCh37 (hg19) VCF-style: chr7-73530167-G-A.
Other names: c.1344G>A, p.Ala448= (NM_001204426.2).
Identifiers: ClinVar variation 3044999 (VCV003044999.2), dbSNP rs782401601, ClinGen allele CA4293980.